The following is an entry in ClinVar:

ClinVar aggregate classification (germline): Benign/Likely benign. Review status: criteria provided, multiple submitters, no conflicts (2 of 4 stars). 11 submissions from 11 submitters: Benign (5); Likely benign (4). 2 of the submissions do not count toward it. Last evaluated 2026-06-15.

Conditions:
Autoinflammatory syndrome. Identifiers: Orphanet 93665, MedGen C3890737, MONDO:0019751.
Pyogenic arthritis-pyoderma gangrenosum-acne syndrome (PAPA). Also called: PAPA SYNDROME; FAMILIAL RECURRENT ARTHRITIS. Identifiers: Orphanet 69126, MedGen C1858361, MONDO:0011462, OMIM 604416.

Allele frequency attached by ClinVar (database versions not stated): 1000 Genomes Project 0.00040; 1000 Genomes Project 30x 0.00062; TOPMed 0.00107; ExAC 0.00138; gnomAD exomes 0.00139; ESP Exome Variant Server 0.00146; gnomAD 0.00164.

Submissions (11):

Women's Health and Genetics/Laboratory Corporation of America, LabCorp
Classification: Benign. Last evaluated: 2026-06-15. Review status: criteria provided, single submitter. Criteria: LabCorp Variant Classification Summary - May 2015. Collection method: clinical testing. Allele origin: germline.

CeGaT Center for Human Genetics Tuebingen
Classification: Likely benign. Last evaluated: 2026-04-01. Review status: criteria provided, single submitter. Criteria: CeGaT Center For Human Genetics Tuebingen Variant Classification Criteria Version 2. Collection method: clinical testing. Allele origin: germline. Affected: yes. Observed: 21 variant alleles.
Comment: PSTPIP1: BP4, BP7

Labcorp Genetics (formerly Invitae), Labcorp
Classification: Benign for Pyogenic arthritis-pyoderma gangrenosum-acne syndrome. Last evaluated: 2026-01-12. Review status: criteria provided, single submitter. Criteria: Invitae Variant Classification Sherloc (09022015). Collection method: clinical testing. Allele origin: germline.

ARUP Laboratories, Molecular Genetics and Genomics, ARUP Laboratories
Classification: Benign for Pyogenic arthritis-pyoderma gangrenosum-acne syndrome. Last evaluated: 2024-12-07. Review status: criteria provided, single submitter. Criteria: ARUP Molecular Germline Variant Investigation Process 2024. Collection method: clinical testing. Allele origin: germline.

Blueprint Genetics
Classification: Likely benign. Last evaluated: 2024-11-27. Review status: criteria provided, single submitter. Criteria: ACMG Guidelines, 2015. Collection method: clinical testing. Allele origin: germline.

Genome Diagnostics Laboratory, The Hospital for Sick Children
Classification: Likely benign for Autoinflammatory syndrome. Last evaluated: 2022-03-16. Review status: criteria provided, single submitter. Criteria: ACMG Guidelines, 2015. Collection method: clinical testing. Allele origin: germline. Affected: yes.

Illumina Laboratory Services, Illumina
Classification: Benign for Pyogenic arthritis-pyoderma gangrenosum-acne syndrome. Last evaluated: 2018-01-13. Review status: criteria provided, single submitter. Criteria: ICSL Variant Classification Criteria 13 December 2019. Collection method: clinical testing. Allele origin: germline.
Comment: This variant was observed in the ICSL laboratory as part of a predisposition screen in an ostensibly healthy population. It had not been previously curated by ICSL or reported in the Human Gene Mutation Database (HGMD: prior to June 1st, 2018), and was therefore a candidate for classification through an automated scoring system. Utilizing variant allele frequency, disease prevalence and penetrance estimates, and inheritance mode, an automated score was calculated to assess if this variant is too frequent to cause the disease. Based on the score and internal cut-off values, a variant classified as benign is not then subjected to further curation. The score for this variant resulted in a classification of benign for this disease.

GeneDx
Classification: Benign. Last evaluated: 2015-03-03. Review status: criteria provided, single submitter. Criteria: GeneDx Variant Classification Process June 2021. Collection method: clinical testing. Allele origin: germline. Affected: yes.

Breakthrough Genomics
Classification: Likely benign. Review status: criteria provided, single submitter. Criteria: ACMG Guidelines, 2015. Collection method: not provided. Allele origin: germline. Inheritance: Autosomal dominant inheritance. Affected: yes.

Clinical Genetics DNA and cytogenetics Diagnostics Lab, Erasmus MC, Erasmus Medical Center
Classification: Likely benign. Review status: no assertion criteria provided. Collection method: clinical testing. Allele origin: germline. Affected: yes. Study: VKGL Data-share Consensus. Not counted in ClinVar's aggregate classification.

Genome Diagnostics Laboratory, University Medical Center Utrecht
Classification: Likely benign. Review status: no assertion criteria provided. Collection method: clinical testing. Allele origin: germline. Affected: yes. Study: VKGL Data-share Consensus. Not counted in ClinVar's aggregate classification.

NM_003978.5(PSTPIP1):c.1143C>T (p.Ser381=)

Gene: PSTPIP1 (proline-serine-threonine phosphatase interacting protein 1; plus strand). Cytogenetic location: 15q24.3.
Variant type: single nucleotide variant.
Coding change: c.1143C>T on transcript NM_003978.5 (MANE Select); coding-DNA position 1143, C replaced by T.
Protein change: p.Ser381=; no amino-acid change (serine 381 retained).
Molecular consequence: synonymous variant. On other transcripts: non-coding transcript variant (1).
Genome position (GRCh38, 1-based): chr15:77,037,068, C>T. VCF-style: chr15-77037068-C-T. GRCh37 (hg19) VCF-style: chr15-77329409-C-T.
Other names: c.1086C>T, p.Ser362= (NM_001321135.2); c.1116C>T, p.Ser372= (NM_001321136.2); c.1338C>T, p.Ser446= (NM_001321137.1).
Identifiers: ClinVar variation 317186 (VCV000317186.66), dbSNP rs141227274, ClinGen allele CA7676203.